The following is an entry in ClinVar:

ClinVar aggregate classification (germline): Pathogenic (1 of 4 stars; one submission).

Conditions:
Fanconi anemia (FA). Also called: Fanconi's anemia. Identifiers: Orphanet 84, MedGen C0015625, MeSH D005199, MONDO:0019391.

Submission:

Labcorp Genetics (formerly Invitae), Labcorp
Classification: Pathogenic for Fanconi anemia. Last evaluated: 2025-09-03. Review status: criteria provided, single submitter. Criteria: Invitae Variant Classification Sherloc (09022015). Collection method: clinical testing. Allele origin: germline.
Comment: This sequence change creates a premature translational stop signal (p.Ser15Profs*24) in the FANCD2 gene. It is expected to result in an absent or disrupted protein product. Loss-of-function variants in FANCD2 are known to be pathogenic (PMID: 17436244). This variant is not present in population databases (gnomAD no frequency). This variant has not been reported in the literature in individuals affected with FANCD2-related conditions. For these reasons, this variant has been classified as Pathogenic.

Literature cited by the submitters: PubMed 17436244.

NM_001018115.3(FANCD2):c.43_44del (p.Ser15fs)

Gene: FANCD2 (FA complementation group D2; plus strand). Cytogenetic location: 3p25.3.
Variant type: Microsatellite.
Coding change: c.43_44del on transcript NM_001018115.3 (MANE Select); coding-DNA positions 43 to 44, 2 bases deleted (AG; older notation c.43_44delAG).
Protein change: p.Ser15fs; shifts the reading frame from serine 15.
Molecular consequence: frameshift variant.
Genome position (GRCh38, 1-based): chr3:10,028,700-10,028,701, AG deleted; deleting any 2 consecutive bases within chr3:10,028,696-10,028,701 gives the same sequence; the c. name uses the placement nearest the transcript's 3' end. VCF-style (leftmost placement, unchanged base first): chr3-10028695-AAG-A. GRCh37 (hg19) VCF-style: chr3-10070379-AAG-A.
Other names: c.43_44del, p.Ser15fs (NM_001319984.2, NM_001374253.1, NM_001374254.1 and 2 more transcripts); short protein forms S15fs.
Identifiers: ClinVar variation 4697350 (VCV004697350.1).
Genomic context (GRCh38, chr3:10,028,695, plus strand): 5'-AAGTGCACAAGACATTGGTCAAAATGGTTTCCAAAAGAAGACTGTCAAAATCTGAGGATA[AAG>A]AGAGCCTGACAGAAGATGCCTCCAGTAAGTATCTAGTCATTTGTTGCTTTATTTCCTGTA-3'